The following is an entry in ClinVar:

ClinVar aggregate classification (germline): Pathogenic (1 of 4 stars; one submission).

Conditions:
GLUT1 deficiency syndrome 1, autosomal recessive. Identifiers: MedGen C3149117.

Submission:

Labcorp Genetics (formerly Invitae), Labcorp
Classification: Pathogenic for GLUT1 deficiency syndrome 1, autosomal recessive. Last evaluated: 2025-09-26. Review status: criteria provided, single submitter. Criteria: Invitae Variant Classification Sherloc (09022015). Collection method: clinical testing. Allele origin: germline.
Comment: This sequence change creates a premature translational stop signal (p.Val74Leufs*4) in the SLC2A1 gene. It is expected to result in an absent or disrupted protein product. Loss-of-function variants in SLC2A1 are known to be pathogenic (PMID: 21832227, 26193382). This variant is not present in population databases (gnomAD no frequency). This variant has not been reported in the literature in individuals affected with SLC2A1-related conditions. For these reasons, this variant has been classified as Pathogenic.

Literature cited by the submitters: PubMed 21832227; PubMed 26193382.

NM_006516.4(SLC2A1):c.219del (p.Val74fs)

Gene: SLC2A1 (solute carrier family 2 member 1; minus strand). Cytogenetic location: 1p34.2.
Variant type: Deletion.
Coding change: c.219del on transcript NM_006516.4 (MANE Select); coding-DNA position 219, one base deleted (T; older notation c.219delT).
Protein change: p.Val74fs; shifts the reading frame from valine 74.
Molecular consequence: frameshift variant.
Genome position (GRCh38, 1-based): chr1:42,931,102, A deleted on the plus strand (T on the coding strand, the reverse complement: SLC2A1 is on the minus strand). VCF-style (leftmost placement, unchanged base first): chr1-42931101-CA-C. GRCh37 (hg19) VCF-style: chr1-43396772-CA-C.
Other names: short protein forms V74fs.
Identifiers: ClinVar variation 4727851 (VCV004727851.1).
Genomic context (GRCh38, chr1:42,931,101, plus strand): 5'-CTTACCGGCCAAAGCGGTTAACGAAAAGGCCCACAGAGAAGGAGCCAATCATGCCCCCAA[CA>C]GAAAAGATGGCCACTGAGAGGGACCAGAGCGTGGTGAGCGTGGTGGGCAGGATGCTCTCC-3'